The following is an entry in ClinVar:

NM_001111125.3(IQSEC2):c.448C>A (p.Arg150Ser)

Gene: IQSEC2 (IQ motif and Sec7 domain ArfGEF 2; minus strand). Cytogenetic location: Xp11.22.
Variant type: single nucleotide variant.
Coding change: c.448C>A on transcript NM_001111125.3 (MANE Select); coding-DNA position 448, C replaced by A.
Protein change: p.Arg150Ser; replaces arginine 150 with serine.
Molecular consequence: missense variant.
Genome position (GRCh38, 1-based): chrX:53,320,676, G>T on the plus strand (C>A on the coding strand, the complement: IQSEC2 is on the minus strand). VCF-style: chrX-53320676-G-T. GRCh37 (hg19) VCF-style: chrX-53349874-G-T.
Other names: c.448C>A, p.Arg150Ser (NM_001410736.1); short protein forms R150S.
Identifiers: ClinVar variation 2082175 (VCV002082175.4), dbSNP rs1556880130, ClinGen allele CA413239323.
Genomic context (GRCh38, chrX:53,320,676, plus strand): 5'-GCTCGCGACCCAGGGCTGGGTTCTCGTGGTGCAGGTGGCACTGGGCCACGTCACGCTCGC[G>T]GGCTGTGTAACCGGTAGTGTCCTGGAGCGGGTAGGAGGCGTCCCGCTCCTTGTCCCGATA-3'
Protein context (NP_001104595.1, residues 140-160): PLQDTTGYTA[Arg150Ser]ERDVAQCHLH

ClinVar aggregate classification (germline): Uncertain significance (1 of 4 stars; one submission).

Conditions:
Intellectual developmental disorder, X-linked 1. Also called: Atkin Flaitz Patil Smith syndrome; Intellectual disability, X-linked 1; MENTAL RETARDATION, X-LINKED 18; MENTAL RETARDATION, X-LINKED 78. Identifiers: Orphanet 777, MedGen C2931498, MONDO:0010656, OMIM 309530.

Submission:

Labcorp Genetics (formerly Invitae), Labcorp
Classification: Uncertain significance for Intellectual developmental disorder, X-linked 1. Last evaluated: 2024-03-26. Review status: criteria provided, single submitter. Criteria: Invitae Variant Classification Sherloc (09022015). Collection method: clinical testing. Allele origin: germline.
Comment: This sequence change replaces arginine, which is basic and polar, with serine, which is neutral and polar, at codon 150 of the IQSEC2 protein (p.Arg150Ser). This variant is not present in population databases (gnomAD no frequency). This variant has not been reported in the literature in individuals affected with IQSEC2-related conditions. ClinVar contains an entry for this variant (Variation ID: 2082175). Advanced modeling of protein sequence and biophysical properties (such as structural, functional, and spatial information, amino acid conservation, physicochemical variation, residue mobility, and thermodynamic stability) performed at Invitae indicates that this missense variant is not expected to disrupt IQSEC2 protein function with a negative predictive value of 95%. In summary, the available evidence is currently insufficient to determine the role of this variant in disease. Therefore, it has been classified as a Variant of Uncertain Significance.